The following is an entry in ClinVar:

NM_006231.4(POLE):c.5212A>G (p.Thr1738Ala)

Gene: POLE (DNA polymerase epsilon, catalytic subunit; minus strand). Cytogenetic location: 12q24.33.
Variant type: single nucleotide variant.
Coding change: c.5212A>G on transcript NM_006231.4 (MANE Select); coding-DNA position 5212, A replaced by G.
Protein change: p.Thr1738Ala; replaces threonine 1738 with alanine.
Molecular consequence: missense variant.
Genome position (GRCh38, 1-based): chr12:132,641,813, T>C on the plus strand (A>G on the coding strand, the complement: POLE is on the minus strand). VCF-style: chr12-132641813-T-C. GRCh37 (hg19) VCF-style: chr12-133218399-T-C.
Other names: c.5212A>G (NM_006231.2); short protein forms T1738A.
Identifiers: ClinVar variation 2814653 (VCV002814653.4), dbSNP rs2541881565, ClinGen allele CA387376423.
Genomic context (GRCh38, chr12:132,641,813, plus strand): 5'-AGCTGATCCCCATGCTGTCGGCCCCCTCCATGTCGTTGACATGGTGAGACTGGAGAATGG[T>C]GTTGACGGCCAGGTTCTGAAGGTCCAGCTCCACACACACTGCACAGGAAGACGCCATGCT-3'
Protein context (NP_006222.2, residues 1728-1748): ELDLQNLAVN[Thr1738Ala]ILQSHHVNDM

ClinVar aggregate classification (germline): Uncertain significance. Review status: criteria provided, multiple submitters, no conflicts (2 of 4 stars). 2 submissions from 2 submitters: Uncertain significance (2). Last evaluated 2026-07-25.

Conditions:
Hereditary cancer-predisposing syndrome. Also called: Hereditary Cancer Syndrome; Hereditary neoplastic syndrome; Neoplastic Syndromes, Hereditary; Tumor predisposition. Identifiers: Orphanet 140162, MedGen C0027672, MeSH D009386, MONDO:0015356.

Submissions (2):

Ambry Genetics
Classification: Uncertain significance for Hereditary cancer-predisposing syndrome. Last evaluated: 2026-07-25. Review status: criteria provided, single submitter. Criteria: Ambry Variant Classification Scheme 2023. Collection method: clinical testing. Allele origin: germline.
Comment: The p.T1738A variant (also known as c.5212A>G), located in coding exon 39 of the POLE gene, results from an A to G substitution at nucleotide position 5212. The threonine at codon 1738 is replaced by alanine, an amino acid with similar properties. This amino acid position is conserved. In addition, this alteration is predicted to be tolerated by in silico analysis. Based on the available evidence, the clinical significance of this variant remains unclear.

Labcorp Genetics (formerly Invitae), Labcorp
Classification: Uncertain significance. Last evaluated: 2025-06-15. Review status: criteria provided, single submitter. Criteria: Invitae Variant Classification Sherloc (09022015). Collection method: clinical testing. Allele origin: germline.
Comment: This sequence change replaces threonine, which is neutral and polar, with alanine, which is neutral and non-polar, at codon 1738 of the POLE protein (p.Thr1738Ala). This variant is not present in population databases (gnomAD no frequency). This variant has not been reported in the literature in individuals affected with POLE-related conditions. ClinVar contains an entry for this variant (Variation ID: 2814653). Invitae Evidence Modeling of protein sequence and biophysical properties (such as structural, functional, and spatial information, amino acid conservation, physicochemical variation, residue mobility, and thermodynamic stability) indicates that this missense variant is not expected to disrupt POLE protein function with a negative predictive value of 80%. In summary, the available evidence is currently insufficient to determine the role of this variant in disease. Therefore, it has been classified as a Variant of Uncertain Significance.